The following is an entry in ClinVar:

NM_007327.4(GRIN1):c.2443+14C>T

Gene: GRIN1 (glutamate ionotropic receptor NMDA type subunit 1; plus strand). Cytogenetic location: 9q34.3.
Variant type: single nucleotide variant.
Coding change: c.2443+14C>T on transcript NM_007327.4 (MANE Select); 14 bases into the intron after coding-DNA position 2443, C replaced by T.
Molecular consequence: intron variant.
Genome position (GRCh38, 1-based): chr9:137,163,682, C>T. VCF-style: chr9-137163682-C-T. GRCh37 (hg19) VCF-style: chr9-140058134-C-T.
Other names: c.2506+14C>T (NM_001185090.2, NM_001185091.2); c.2443+14C>T (NM_021569.4, NM_000832.7).
Identifiers: ClinVar variation 391541 (VCV000391541.3), dbSNP rs986727477, ClinGen allele CA16605663.
Genomic context (GRCh38, chr9:137,163,682, plus strand): 5'-CTCGCGCAGCAACGCCCCTGCGACCCTTACTTTTGAGAACATGGCCGGTGCGTTCTCCTT[C>T]ATCCATTCTCGGGTGGGTTCTCCGTGGGCTGCGGCCTCCCTGGCCAGCAACTGAGGCTCT-3'

ClinVar aggregate classification (germline): Likely benign. Review status: criteria provided, multiple submitters, no conflicts (2 of 4 stars). 2 submissions from 2 submitters: Likely benign (2). Last evaluated 2024-05-21.

Conditions:
Neurodevelopmental disorder with or without hyperkinetic movements and seizures, autosomal dominant. Also called: Intellectual disability, autosomal dominant 8. Identifiers: MedGen C3280282, MONDO:0013655, OMIM 614254.

Allele frequency attached by ClinVar (database versions not stated): gnomAD exomes below 0.00001; gnomAD 0.00001; TOPMed 0.00002.
gnomAD v4.1: 6 of 1,612,260 alleles (0.00037%); highest among the groups gnomAD compares: African/African-American, 0.0067%; no homozygotes.

Submissions (2):

Labcorp Genetics (formerly Invitae), Labcorp
Classification: Likely benign for Neurodevelopmental disorder with or without hyperkinetic movements and seizures, autosomal dominant. Last evaluated: 2024-05-21. Review status: criteria provided, single submitter. Criteria: Invitae Variant Classification Sherloc (09022015). Collection method: clinical testing. Allele origin: germline.

GeneDx
Classification: Likely benign. Last evaluated: 2016-12-13. Review status: criteria provided, single submitter. Criteria: GeneDx Variant Classification (06012015). Collection method: clinical testing. Allele origin: germline. Affected: yes.
Comment: This variant is considered likely benign or benign based on one or more of the following criteria: it is a conservative change, it occurs at a poorly conserved position in the protein, it is predicted to be benign by multiple in silico algorithms, and/or has population frequency not consistent with disease.